The following is an entry in ClinVar:

NM_001378204.1(CCDC18):c.1711G>A (p.Glu571Lys)

Gene: CCDC18 (coiled-coil domain containing 18; plus strand). Cytogenetic location: 1p22.1.
Variant type: single nucleotide variant.
Coding change: c.1711G>A on transcript NM_001378204.1 (MANE Select); coding-DNA position 1711, G replaced by A.
Protein change: p.Glu571Lys; replaces glutamic acid 571 with lysine.
Molecular consequence: missense variant.
Genome position (GRCh38, 1-based): chr1:93,214,958, G>A. VCF-style: chr1-93214958-G-A. GRCh37 (hg19) VCF-style: chr1-93680515-G-A.
Other names: c.1708G>A, p.Glu570Lys (NM_001306076.1); c.1711G>A, p.Glu571Lys (NM_206886.4); short protein forms E570K, E571K.
Identifiers: ClinVar variation 3045349 (VCV003045349.2), dbSNP rs112836442, ClinGen allele CA954075.

ClinVar aggregate classification (germline): Likely benign (0 of 4 stars; one submission).

Conditions:
CCDC18-related disorder. Also called: CCDC18-related condition.

Allele frequency attached by ClinVar (database versions not stated): gnomAD exomes 0.00012; ExAC 0.00045; 1000 Genomes Project 0.00100; TOPMed 0.00105; gnomAD 0.00109; ESP Exome Variant Server 0.00110; 1000 Genomes Project 30x 0.00125.
gnomAD v4.1: 338 of 1,593,640 alleles (0.021%); highest among the groups gnomAD compares: African/African-American, 0.41%; no homozygotes.

Submission:

PreventionGenetics, part of Exact Sciences
Classification: Likely benign for CCDC18-related condition. Last evaluated: 2023-04-05. Review status: no assertion criteria provided. Collection method: clinical testing. Allele origin: germline.
Comment: This variant is classified as likely benign based on ACMG/AMP sequence variant interpretation guidelines (Richards et al. 2015 PMID: 25741868, with internal and published modifications).